The following is an entry in ClinVar:

ClinVar aggregate classification (germline): Uncertain significance. Review status: criteria provided, multiple submitters, no conflicts (2 of 4 stars). 2 submissions from 2 submitters: Uncertain significance (2). Last evaluated 2025-12-11.

Conditions:
Dilated cardiomyopathy 1W (CMD1W). Identifiers: Orphanet 154, MedGen C1969639, MONDO:0012667, OMIM 611407.

Submissions (2):

Dasa
Classification: Uncertain significance. Last evaluated: 2025-12-11. Review status: criteria provided, single submitter. Criteria: DASA Assertion Criteria. Collection method: clinical testing. Allele origin: germline.
Comment: NM_014000.3(VCL):c.2855A>G (p.Glu952Gly) is a missense variant that results in the substitution of glutamic acid with glycine. This variant is rare in population databases. The currently available literature and clinical evidence are not sufficient to establish a definitive association between this variant and the reported condition. Therefore, this variant is classified as a variant of uncertain significance.

Labcorp Genetics (formerly Invitae), Labcorp
Classification: Uncertain significance for Dilated cardiomyopathy 1W. Last evaluated: 2025-12-08. Review status: criteria provided, single submitter. Criteria: Invitae Variant Classification Sherloc (09022015). Collection method: clinical testing. Allele origin: germline.
Comment: This sequence change replaces glutamic acid, which is acidic and polar, with glycine, which is neutral and non-polar, at codon 952 of the VCL protein (p.Glu952Gly). This variant is present in population databases (rs367805257, gnomAD 0.006%). This variant has not been reported in the literature in individuals affected with VCL-related conditions. An algorithm developed to predict the effect of missense changes on protein structure and function (PolyPhen-2) suggests that this variant is likely to be tolerated. In summary, the available evidence is currently insufficient to determine the role of this variant in disease. Therefore, it has been classified as a Variant of Uncertain Significance.

NM_014000.3(VCL):c.2855A>G (p.Glu952Gly)

Gene: VCL (vinculin; plus strand). Cytogenetic location: 10q22.2.
Variant type: single nucleotide variant.
Coding change: c.2855A>G on transcript NM_014000.3 (MANE Select); coding-DNA position 2855, A replaced by G.
Protein change: p.Glu952Gly; replaces glutamic acid 952 with glycine.
Molecular consequence: missense variant. On other transcripts: intron variant (1).
Genome position (GRCh38, 1-based): chr10:74,112,018, A>G. VCF-style: chr10-74112018-A-G. GRCh37 (hg19) VCF-style: chr10-75871776-A-G.
Other names: c.2746-2166A>G (NM_003373.4); short protein forms E952G.
Identifiers: ClinVar variation 4732707 (VCV004732707.3).